The following is an entry in ClinVar:

ClinVar aggregate classification (germline): Benign (1 of 4 stars; one submission).

Conditions:
Familial hemophagocytic lymphohistiocytosis 3 (FHL3). Also called: UNC13D-Related Familial Hemophagocytic Lymphohistiocytosis (UNC13D-fHLH). Identifiers: Orphanet 540, MedGen C1837174, MONDO:0012146, OMIM 608898.

Allele frequency attached by ClinVar (database versions not stated): 1000 Genomes Project 30x 0.00765; TOPMed 0.00987; 1000 Genomes Project 0.00779; gnomAD 0.00936 and 0.00852.

Submission:

Illumina Laboratory Services, Illumina
Classification: Benign for Familial hemophagocytic lymphohistiocytosis 3. Last evaluated: 2018-01-13. Review status: criteria provided, single submitter. Criteria: ICSL Variant Classification Criteria 13 December 2019. Collection method: clinical testing. Allele origin: germline.
Comment: This variant was observed in the ICSL laboratory as part of a predisposition screen in an ostensibly healthy population. It had not been previously curated by ICSL or reported in the Human Gene Mutation Database (HGMD: prior to June 1st, 2018), and was therefore a candidate for classification through an automated scoring system. Utilizing variant allele frequency, disease prevalence and penetrance estimates, and inheritance mode, an automated score was calculated to assess if this variant is too frequent to cause the disease. Based on the score and internal cut-off values, a variant classified as benign is not then subjected to further curation. The score for this variant resulted in a classification of benign for this disease.

NM_199242.2(UNC13D):c.-180C>T

Gene: UNC13D (unc-13 homolog D; minus strand). Cytogenetic location: 17q25.1.
Variant type: single nucleotide variant.
Coding change: c.-180C>T on transcript NM_199242.2; 180 bases upstream of the start codon, C replaced by T.
Genome position (GRCh38, 1-based): chr17:75,844,517, G>A on the plus strand (C>T on the coding strand, the complement: UNC13D is on the minus strand). VCF-style: chr17-75844517-G-A. GRCh37 (hg19) VCF-style: chr17-73840598-G-A.
Identifiers: ClinVar variation 325282 (VCV000325282.7), dbSNP rs149878313, ClinGen allele CA10650985.